The following is an entry in ClinVar:

NM_001375808.2(LPIN2):c.2371C>T (p.Leu791=)

Gene: LPIN2 (lipin 2; minus strand). Cytogenetic location: 18p11.31.
Variant type: single nucleotide variant.
Coding change: c.2371C>T on transcript NM_001375808.2 (MANE Select); coding-DNA position 2371, C replaced by T.
Protein change: p.Leu791=; no amino-acid change (leucine 791 retained).
Molecular consequence: synonymous variant.
Genome position (GRCh38, 1-based): chr18:2,921,604, G>A on the plus strand (C>T on the coding strand, the complement: LPIN2 is on the minus strand). VCF-style: chr18-2921604-G-A. GRCh37 (hg19) VCF-style: chr18-2921602-G-A.
Other names: c.2371C>T, p.Leu791= (NM_001375809.1, NM_014646.2).
Identifiers: ClinVar variation 385657 (VCV000385657.15), dbSNP rs373520277, ClinGen allele CA8872746.

ClinVar aggregate classification (germline): Conflicting classifications of pathogenicity. Review status: criteria provided, conflicting classifications (1 of 4 stars). 4 submissions from 4 submitters: Uncertain significance (1); Likely benign (3). Last evaluated 2025-10-23.

Conditions:
Majeed syndrome (MJDS). Also called: CHRONIC RECURRENT MULTIFOCAL OSTEOMYELITIS 1, WITH CONGENITAL DYSERYTHROPOIETIC ANEMIA, WITH OR WITHOUT NEUTROPHILIC DERMATOSIS; LPIN2-Related Majeed Syndrome. Identifiers: Orphanet 77297, MedGen C1864997, MONDO:0012316, OMIM 609628.
Autoinflammatory syndrome. Identifiers: Orphanet 93665, MedGen C3890737, MONDO:0019751.

Allele frequency attached by ClinVar (database versions not stated): ExAC 0.00006; gnomAD exomes 0.00006; ESP Exome Variant Server 0.00008; TOPMed 0.00009; gnomAD 0.00011; 1000 Genomes Project 30x 0.00016; 1000 Genomes Project 0.00020.
gnomAD v4.1: 311 of 1,614,046 alleles (0.019%); highest among the groups gnomAD compares: Non-Finnish European, 0.025%; no homozygotes.

Submissions (4):

Labcorp Genetics (formerly Invitae), Labcorp
Classification: Likely benign for Majeed syndrome. Last evaluated: 2025-10-23. Review status: criteria provided, single submitter. Criteria: Invitae Variant Classification Sherloc (09022015). Collection method: clinical testing. Allele origin: germline.

Blueprint Genetics
Classification: Likely benign. Last evaluated: 2024-09-23. Review status: criteria provided, single submitter. Criteria: ACMG Guidelines, 2015. Collection method: clinical testing. Allele origin: germline.

Genome Diagnostics Laboratory, The Hospital for Sick Children
Classification: Uncertain significance for Autoinflammatory syndrome. Last evaluated: 2018-07-01. Review status: criteria provided, single submitter. Criteria: ACMG Guidelines, 2015. Collection method: clinical testing. Allele origin: germline. Affected: yes.

GeneDx
Classification: Likely benign. Last evaluated: 2016-04-19. Review status: criteria provided, single submitter. Criteria: GeneDx Variant Classification (06012015). Collection method: clinical testing. Allele origin: germline. Affected: yes.
Comment: This variant is considered likely benign or benign based on one or more of the following criteria: it is a conservative change, it occurs at a poorly conserved position in the protein, it is predicted to be benign by multiple in silico algorithms, and/or has population frequency not consistent with disease.